The following is an entry in ClinVar:

NM_001267550.2(TTN):c.53374G>T (p.Gly17792Ter)

Genes: TTN (titin; minus strand), TTN-AS1 (TTN antisense RNA 1; plus strand), LOC126806425 (BRD4-independent group 4 enhancer GRCh37_chr2:179471933-179473132; plus strand). Cytogenetic location: 2q31.2.
Variant type: single nucleotide variant.
Coding change: c.53374G>T on transcript NM_001267550.2 (MANE Select); coding-DNA position 53374, G replaced by T.
Protein change: p.Gly17792Ter; replaces glycine 17792 with a stop codon.
Molecular consequence: nonsense.
Genome position (GRCh38, 1-based): chr2:178,607,228, C>A on the plus strand (G>T on the coding strand, the complement: TTN is on the minus strand). VCF-style: chr2-178607228-C-A. GRCh37 (hg19) VCF-style: chr2-179471955-C-A.
Other names: c.48451G>T, p.Gly16151Ter (NM_001256850.1); c.26179G>T, p.Gly8727Ter (NM_003319.4); c.45670G>T, p.Gly15224Ter (NM_133378.4); c.26554G>T, p.Gly8852Ter (NM_133432.3); c.26755G>T, p.Gly8919Ter (NM_133437.4); short protein forms G15224*, G8852*, G8727*, G16151*, G17792*, G8919*.
Identifiers: ClinVar variation 843809 (VCV000843809.11), dbSNP rs2055101555, ClinGen allele CA349564708.

ClinVar aggregate classification (germline): Likely pathogenic. Review status: criteria provided, multiple submitters, no conflicts (2 of 4 stars). 2 submissions from 2 submitters: Likely pathogenic (2). Last evaluated 2025-08-21.

Conditions:
Cardiovascular phenotype. Identifiers: MedGen CN230736.
Autosomal recessive limb-girdle muscular dystrophy type 2J (LGMDR10). Also called: Limb-girdle muscular dystrophy, type 2J; MUSCULAR DYSTROPHY, LIMB-GIRDLE, AUTOSOMAL RECESSIVE 10. Identifiers: Orphanet 140922, MedGen C1837342, MONDO:0012127, OMIM 608807.
Dilated cardiomyopathy 1G (CMD1G). Identifiers: Orphanet 154, MedGen C1858763, MONDO:0011400, OMIM 604145.

Submissions (2):

Ambry Genetics
Classification: Likely pathogenic for Cardiovascular phenotype. Last evaluated: 2025-08-21. Review status: criteria provided, single submitter. Criteria: Ambry Variant Classification Scheme 2023. Collection method: clinical testing. Allele origin: germline.
Comment: The p.G8727* variant (also known as c.26179G>T), located in coding exon 105 of the TTN gene, results from a G to T substitution at nucleotide position 26179. This changes the amino acid from a glycine to a stop codon within coding exon 105. This exon is located in the A-band region of the N2-B isoform of the titin protein and is constitutively expressed in TTN transcripts (percent spliced in or PSI 100%). This variant is considered to be rare based on population cohorts in the Genome Aggregation Database (gnomAD). This variant is expected to result in loss of function by premature protein truncation or nonsense-mediated mRNA decay. While truncating variants in TTN are present in 1-3% of the general population, truncating variants in the A-band are the most common cause of dilated cardiomyopathy (Herman DS et al. N. Engl. J. Med., 2012 Feb;366:619-28; Roberts AM et al. Sci Transl Med, 2015 Jan;7:270ra6). TTN truncating variants encoded in constitutive exons (PSI >90%) have been found to be significantly associated with DCM regardless of their position in titin (Schafer S et al. Nat. Genet., 2017 01;49:46-53; Akhtar MM et al. Circ Heart Fail, 2020 Oct;13:e006832; Massier M et al. Clin Genet, 2025 Jan). Based on the majority of available evidence to date, this variant is likely to be pathogenic.

Labcorp Genetics (formerly Invitae), Labcorp
Classification: Likely pathogenic for Dilated cardiomyopathy 1G; Autosomal recessive limb-girdle muscular dystrophy type 2J. Last evaluated: 2025-03-30. Review status: criteria provided, single submitter. Criteria: Invitae Variant Classification Sherloc (09022015). Collection method: clinical testing. Allele origin: germline.
Comment: This sequence change creates a premature translational stop signal (p.Gly17792*) in the TTN gene. While this is not anticipated to result in nonsense mediated decay, it is expected to create a truncated TTN protein. This variant is not present in population databases (gnomAD no frequency). This variant has not been reported in the literature in individuals affected with TTN-related conditions. ClinVar contains an entry for this variant (Variation ID: 843809). This variant is located in the A band of TTN (PMID: 25589632). Truncating variants in this region are significantly overrepresented in patients affected with dilated cardiomyopathy (PMID: 25589632). Truncating variants in this region have also been reported in individuals affected with autosomal recessive centronuclear myopathy (PMID: 23975875). In summary, the currently available evidence indicates that the variant is pathogenic, but additional data are needed to prove that conclusively. Therefore, this variant has been classified as Likely Pathogenic.

Literature cited by the submitters: PubMed 25589632 (cited by Labcorp Genetics (formerly Invitae), Labcorp); PubMed 23975875 (cited by Labcorp Genetics (formerly Invitae), Labcorp).